The following is an entry in ClinVar:

NM_006206.6(PDGFRA):c.1840G>A (p.Gly614Arg)

Gene: PDGFRA (platelet derived growth factor receptor alpha; plus strand). Cytogenetic location: 4q12.
Variant type: single nucleotide variant.
Coding change: c.1840G>A on transcript NM_006206.6 (MANE Select); coding-DNA position 1840, G replaced by A.
Protein change: p.Gly614Arg; replaces glycine 614 with arginine.
Molecular consequence: missense variant.
Genome position (GRCh38, 1-based): chr4:54,277,441, G>A. VCF-style: chr4-54277441-G-A. GRCh37 (hg19) VCF-style: chr4-55143608-G-A.
Other names: c.1840G>A, p.Gly614Arg (NM_001347827.2, NM_001347829.2); c.1915G>A, p.Gly639Arg (NM_001347828.2); c.1879G>A, p.Gly627Arg (NM_001347830.2); c.1840G>A (NM_006206.4); short protein forms G627R, G639R, G614R.
Identifiers: ClinVar variation 1467533 (VCV001467533.10), dbSNP rs1320506684, ClinGen allele CA356893437.

ClinVar aggregate classification (germline): Uncertain significance. Review status: criteria provided, multiple submitters, no conflicts (2 of 4 stars). 2 submissions from 2 submitters: Uncertain significance (2). Last evaluated 2024-07-03.

Conditions:
Hereditary cancer-predisposing syndrome. Also called: Hereditary neoplastic syndrome; Tumor predisposition; Hereditary Cancer Syndrome; Neoplastic Syndromes, Hereditary. Identifiers: Orphanet 140162, MedGen C0027672, MeSH D009386, MONDO:0015356.
Gastrointestinal stromal tumor. Also called: Gastrointestinal stroma tumor; Gastrointestinal stromal tumor, somatic. Identifiers: Orphanet 44890, MedGen C0238198, MeSH D046152, MONDO:0011719, OMIM 606764, HP:0100723.

Allele frequency attached by ClinVar (database versions not stated): TOPMed 0.00001.

Submissions (2):

Labcorp Genetics (formerly Invitae), Labcorp
Classification: Uncertain significance for Gastrointestinal stromal tumor. Last evaluated: 2024-07-03. Review status: criteria provided, single submitter. Criteria: Invitae Variant Classification Sherloc (09022015). Collection method: clinical testing. Allele origin: germline.
Comment: This sequence change replaces glycine, which is neutral and non-polar, with arginine, which is basic and polar, at codon 614 of the PDGFRA protein (p.Gly614Arg). This variant is not present in population databases (gnomAD no frequency). This variant has not been reported in the literature in individuals affected with PDGFRA-related conditions. ClinVar contains an entry for this variant (Variation ID: 1467533). Advanced modeling of protein sequence and biophysical properties (such as structural, functional, and spatial information, amino acid conservation, physicochemical variation, residue mobility, and thermodynamic stability) has been performed at Invitae for this missense variant, however the output from this modeling did not meet the statistical confidence thresholds required to predict the impact of this variant on PDGFRA protein function. In summary, the available evidence is currently insufficient to determine the role of this variant in disease. Therefore, it has been classified as a Variant of Uncertain Significance.

Ambry Genetics
Classification: Uncertain significance for Hereditary cancer-predisposing syndrome. Last evaluated: 2023-05-15. Review status: criteria provided, single submitter. Criteria: Ambry Variant Classification Scheme 2023. Collection method: clinical testing. Allele origin: germline.
Comment: The p.G614R variant (also known as c.1840G>A), located in coding exon 12 of the PDGFRA gene, results from a G to A substitution at nucleotide position 1840. The glycine at codon 614 is replaced by arginine, an amino acid with dissimilar properties. This amino acid position is conserved. In addition, this alteration is predicted to be deleterious by in silico analysis. Since supporting evidence is limited at this time, the clinical significance of this alteration remains unclear.